The following is an entry in ClinVar:

NM_007294.4(BRCA1):c.3456_3475delinsTGTT (p.Leu1153fs)

Genes: BRCA1 (BRCA1 DNA repair associated; minus strand), LOC126862571 (BRD4-independent group 4 enhancer GRCh37_chr17:41243136-41244335; plus strand). Cytogenetic location: 17q21.31.
Variant type: Indel.
Coding change: c.3456_3475delinsTGTT on transcript NM_007294.4 (MANE Select); coding-DNA positions 3456 to 3475, CCTGTTAGATGATGGTGAAA replaced by TGTT.
Protein change: p.Leu1153fs; shifts the reading frame from leucine 1153.
Molecular consequence: frameshift variant. On other transcripts: intron variant (135).
Genome position (GRCh38, 1-based): chr17:43,092,056-43,092,075, TTTCACCATCATCTAACAGG replaced by AACA on the plus strand (CCTGTTAGATGATGGTGAAA replaced by TGTT on the coding strand, the reverse complement: BRCA1 is on the minus strand). VCF-style: chr17-43092056-TTTCACCATCATCTAACAGG-AACA. GRCh37 (hg19) VCF-style: chr17-41244073-TTTCACCATCATCTAACAGG-AACA.
Other names: c.3315_3334delinsTGTT, p.Leu1106fs (NM_001407725.1, NM_001407726.1, NM_001407727.1 and 29 more transcripts); c.3252_3271delinsTGTT, p.Leu1085fs (NM_001407874.1, NM_001407875.1); c.3246_3265delinsTGTT, p.Leu1083fs (NM_001407879.1, NM_001407881.1, NM_001407882.1 and 13 more transcripts); c.3243_3262delinsTGTT, p.Leu1082fs (NM_001407894.1, NM_001407895.1, NM_001407896.1 and 9 more transcripts); c.3333_3352delinsTGTT, p.Leu1112fs (NM_001407919.1, NM_001407937.1, NM_001407938.1 and 19 more transcripts); c.3192_3211delinsTGTT, p.Leu1065fs (NM_001407920.1, NM_001407921.1, NM_001407922.1 and 9 more transcripts); c.3189_3208delinsTGTT, p.Leu1064fs (NM_001407930.1, NM_001407931.1, NM_001407932.1 and 2 more transcripts); c.3330_3349delinsTGTT, p.Leu1111fs (NM_001407940.1, NM_001407941.1, NM_001407649.1 and 11 more transcripts); and 41 more; short protein forms L1025fs, L1065fs, L1105fs, L1127fs, L1150fs, L857fs, L1064fs, L1083fs.
Identifiers: ClinVar variation 3481816 (VCV003481816.1).
Genomic context (GRCh38, chr17:43,092,056, plus strand): 5'-TGCTAAAAACAGCAGAACTTTCCTTAATGTCATTTTCAGCAAAACTAGTATCTTCCTTTA[TTTCACCATCATCTAACAGG>AACA]TCATCAGGTGTCTCAGAACAAACCTGAGATGCATGACTACTTCCCATAGGCTGTTCTAAG-3'

ClinVar aggregate classification (germline): Pathogenic (1 of 4 stars; one submission).

Conditions:
Hereditary cancer-predisposing syndrome. Also called: Tumor predisposition; Neoplastic Syndromes, Hereditary; Hereditary Cancer Syndrome; Hereditary neoplastic syndrome. Identifiers: Orphanet 140162, MedGen C0027672, MeSH D009386, MONDO:0015356.

Submission:

Ambry Genetics
Classification: Pathogenic for Hereditary cancer-predisposing syndrome. Last evaluated: 2024-07-01. Review status: criteria provided, single submitter. Criteria: Ambry Variant Classification Scheme 2023. Collection method: clinical testing. Allele origin: germline.
Comment: The c.3456_3475del20insTGTT pathogenic mutation, located in coding exon 9 of the BRCA1 gene, results from the deletion of 20 nucleotides and insertion of 4 nucleotides causing a translational frameshift with a predicted alternate stop codon (p.L1153Vfs*2). This variant is considered to be rare based on population cohorts in the Genome Aggregation Database (gnomAD). This alteration is expected to result in loss of function by premature protein truncation or nonsense-mediated mRNA decay. As such, this alteration is interpreted as a disease-causing mutation.